The following is an entry in ClinVar:

ClinVar aggregate classification (germline): Uncertain significance (1 of 4 stars; one submission).

Submission:

Labcorp Genetics (formerly Invitae), Labcorp
Classification: Uncertain significance. Last evaluated: 2023-01-10. Review status: criteria provided, single submitter. Criteria: Invitae Variant Classification Sherloc (09022015). Collection method: clinical testing. Allele origin: germline.
Comment: In summary, the available evidence is currently insufficient to determine the role of this variant in disease. Therefore, it has been classified as a Variant of Uncertain Significance. Algorithms developed to predict the effect of sequence changes on RNA splicing suggest that this variant may create or strengthen a splice site. This variant has not been reported in the literature in individuals affected with COL7A1-related conditions. This variant is not present in population databases (gnomAD no frequency). This sequence change falls in intron 96 of the COL7A1 gene. It does not directly change the encoded amino acid sequence of the COL7A1 protein.

NM_000094.4(COL7A1):c.7381-18T>A

Gene: COL7A1 (collagen type VII alpha 1 chain; minus strand). Cytogenetic location: 3p21.31.
Variant type: single nucleotide variant.
Coding change: c.7381-18T>A on transcript NM_000094.4 (MANE Select); 18 bases into the intron before coding-DNA position 7381, T replaced by A.
Molecular consequence: intron variant.
Genome position (GRCh38, 1-based): chr3:48,570,352, A>T on the plus strand (T>A on the coding strand, the complement: COL7A1 is on the minus strand). VCF-style: chr3-48570352-A-T. GRCh37 (hg19) VCF-style: chr3-48607785-A-T.
Identifiers: ClinVar variation 2827543 (VCV002827543.3), dbSNP rs2530860317, ClinGen allele CA2739278441.
Genomic context (GRCh38, chr3:48,570,352, plus strand): 5'-CACGCTCGCCTCGGGGCCCAGGCAGCCCTACTCCAGGGTCTCCCTGGAGACCAACAGGAC[A>T]CCGGGGATCAGTGAGGGGAATCAGTGGGGGACGCAGGGTCATGGGAGGTCAGTGGAGGCT-3'